The following is an entry in ClinVar:

ClinVar aggregate classification (germline): Uncertain significance. Review status: criteria provided, multiple submitters, no conflicts (2 of 4 stars). 2 submissions from 2 submitters: Uncertain significance (2). Last evaluated 2024-11-03.

Conditions:
Inborn genetic diseases. Identifiers: MedGen C0950123, MeSH D030342.
Dyskeratosis congenita, autosomal dominant 6 (DKCA6). Identifiers: Orphanet 3322, MedGen C4225284, MONDO:0014690, OMIM 616553.

Submissions (2):

Ambry Genetics
Classification: Uncertain significance for Inborn genetic diseases. Last evaluated: 2024-11-03. Review status: criteria provided, single submitter. Criteria: Ambry Variant Classification Scheme 2023. Collection method: clinical testing. Allele origin: germline.
Comment: The p.A42T variant (also known as c.124G>A), located in coding exon 1 of the ACD gene, results from a G to A substitution at nucleotide position 124. The alanine at codon 42 is replaced by threonine, an amino acid with similar properties. This amino acid position is conserved. In addition, this alteration is predicted to be tolerated by in silico analysis. Based on the available evidence, the clinical significance of this variant remains unclear.

Labcorp Genetics (formerly Invitae), Labcorp
Classification: Uncertain significance for Dyskeratosis congenita, autosomal dominant 6. Last evaluated: 2024-04-01. Review status: criteria provided, single submitter. Criteria: Invitae Variant Classification Sherloc (09022015). Collection method: clinical testing. Allele origin: germline.
Comment: This sequence change replaces alanine, which is neutral and non-polar, with threonine, which is neutral and polar, at codon 42 of the ACD protein (p.Ala42Thr). The frequency data for this variant in the population databases is considered unreliable, as metrics indicate poor data quality at this position in the gnomAD database. This variant has not been reported in the literature in individuals affected with ACD-related conditions. An algorithm developed to predict the effect of missense changes on protein structure and function (PolyPhen-2) suggests that this variant is likely to be disruptive. In summary, the available evidence is currently insufficient to determine the role of this variant in disease. Therefore, it has been classified as a Variant of Uncertain Significance.

NC_000016.10:g.67660355C>T

Genes: ACD (ACD shelterin complex subunit and telomerase recruitment factor; minus strand), LOC130059224 (ATAC-STARR-seq lymphoblastoid silent region 7617; plus strand). Cytogenetic location: 16q22.1.
Variant type: single nucleotide variant.
Genome position: GRCh38 VCF-style: chr16-67660355-C-T. GRCh37 (hg19) VCF-style: chr16-67694258-C-T.
Other names: short protein forms A42T.
Identifiers: ClinVar variation 3479895 (VCV003479895.3).